The following is an entry in ClinVar:

NM_203499.3(DDX42):c.793dup (p.Met265fs)

Gene: DDX42 (DEAD-box helicase 42; plus strand). Cytogenetic location: 17q23.3.
Variant type: Duplication.
Coding change: c.793dup on transcript NM_203499.3 (MANE Select); coding-DNA position 793, one base duplicated (A; older notation c.793dupA).
Protein change: p.Met265fs; shifts the reading frame from methionine 265.
Molecular consequence: frameshift variant.
Genome position (GRCh38, 1-based): chr17:63,806,601, A duplicated. VCF-style (leftmost placement, unchanged base first): chr17-63806600-T-TA. GRCh37 (hg19) VCF-style: chr17-61883960-T-TA.
Other names: c.793dup, p.Met265fs (NM_007372.3); short protein forms M265fs.
Identifiers: ClinVar variation 2626943 (VCV002626943.1), dbSNP rs2511399810, ClinGen allele CA2582342311.

ClinVar aggregate classification (germline): Uncertain significance (1 of 4 stars; one submission).

Submission:

Greenwood Genetic Center Diagnostic Laboratories, Greenwood Genetic Center
Classification: Uncertain significance. Last evaluated: 2023-09-14. Review status: criteria provided, single submitter. Criteria: ACMG Guidelines, 2015. Collection method: clinical testing. Allele origin: germline. Affected: yes.
Comment: Gene of Uncertain Significance